The following is an entry in ClinVar:

ClinVar aggregate classification (germline): Uncertain significance (1 of 4 stars; one submission).

Conditions:
Leigh syndrome (NULS). Also called: Leigh's necrotizing encephalopathy; Leigh's disease; Leigh's syndrome; LEIGH SYNDROME, NUCLEAR; Leigh Syndrome (mtDNA deletion); Leigh Disease. Identifiers: Orphanet 506, MedGen C2931891, MONDO:0009723, OMIM 256000.

Submission:

Wong Mito Lab, Molecular and Human Genetics, Baylor College of Medicine
Classification: Uncertain significance for Leigh syndrome. Last evaluated: 2019-10-17. Review status: criteria provided, single submitter. Criteria: Modified ACMG Guidelines (Unpublished). Collection method: clinical testing. Allele origin: germline.
Comment: The NC_012920.1:m.15873T>C (YP_003024038.1:p.Met376Thr) variant in MTCYB gene is interpretated to be a Uncertain Significance variant based on the modified ACMG guidelines (unpublished). This variant meets the following evidence codes: PP7

NC_012920.1(MT-CYB):m.15873T>C

Gene: MT-CYB (mitochondrially encoded cytochrome b; plus strand).
Variant type: single nucleotide variant.
Genome position: chrM-15873-T-C.
Identifiers: ClinVar variation 693971 (VCV000693971.1), dbSNP rs1603225557, ClinGen allele CA913175080.